The following is an entry in ClinVar:

NM_000492.4(CFTR):c.1680-886A>G

Gene: CFTR (CF transmembrane conductance regulator; plus strand). Cytogenetic location: 7q31.2.
Variant type: single nucleotide variant.
Coding change: c.1680-886A>G on transcript NM_000492.4 (MANE Select); 886 bases into the intron before coding-DNA position 1680, A replaced by G.
Molecular consequence: intron variant.
Genome position (GRCh38, 1-based): chr7:117,589,467, A>G. VCF-style: chr7-117589467-A-G. GRCh37 (hg19) VCF-style: chr7-117229521-A-G.
Other names: 1811+1.6kbA->G; c.1679+1634A>G; 1812-886A>G; p.?.
Identifiers: ClinVar variation 53338 (VCV000053338.65), dbSNP rs397508266, ClinGen allele CA326604.

ClinVar aggregate classification (germline): Pathogenic. Review status: reviewed by expert panel (3 of 4 stars). 19 submissions from 19 submitters: Pathogenic (1). 18 of the submissions do not count toward it. Last evaluated 2017-03-17.

Conditions:
CFTR-related disorder (CFTR-RD). Also called: CFTR-related disorders; CFTR-related condition. Identifiers: MedGen C5924204, MONDO:7770004.
Congenital bilateral aplasia of vas deferens from CFTR mutation (CBAVD). Identifiers: Orphanet 48, MedGen C0403814, MONDO:0010178, OMIM 277180. Disease mechanism: loss of function.
Cystic fibrosis (CF). Also called: MUCOVISCIDOSIS. Identifiers: Orphanet 586, MedGen C0010674, MONDO:0009061, OMIM 219700. Disease mechanism: loss of function.
Hereditary pancreatitis (PCTT). Also called: PRSS1-Related Hereditary Pancreatitis; Hereditary chronic pancreatitis. Identifiers: Orphanet 676, MedGen C0238339, MONDO:0008185, OMIM 167800.
Bronchiectasis with or without elevated sweat chloride 1 (BESC1). Also called: Cystic Fibrosis-Like Syndrome. Identifiers: Orphanet 60033, MedGen C2749757, MONDO:0008887, OMIM 211400.

Allele frequency attached by ClinVar (database versions not stated): TOPMed 0.00006; gnomAD 0.00002 and 0.00003.
gnomAD v4.1: 4 of 152,044 alleles (0.0026%); highest among the groups gnomAD compares: Admixed American, 0.013%; no homozygotes.

Submissions (19):

CFTR2
Classification: Pathogenic for Cystic fibrosis. Last evaluated: 2017-03-17. Review status: reviewed by expert panel. Criteria: Sosnay PR et al. (Nat Genet 2013). Collection method: research. Allele origin: germline. Affected: yes. Study: CFTR2.

Otogenetics
Classification: Pathogenic for Cystic fibrosis; Congenital bilateral aplasia of vas deferens from CFTR mutation. Last evaluated: 2026-02-16. Review status: criteria provided, single submitter. Criteria: ACMG Guidelines, 2015. Collection method: clinical testing. Allele origin: germline. Not counted in ClinVar's aggregate classification.
Comment: PS3_Supporting: Well-established in vitro and in vivo functional studies supportive of damaging effect on the gene product, with low residual enzymatic activity relative to wild-type reported (PMID:23974870); PM2: Maximum gnomAD MAF of 0.0139% in American (AMR) subpopulation (<0.296% threshold); PM3_VeryStrong: Variant reported in trans with multiple pathogenic variants in numerous individuals affected with cystic fibrosis and CF-related disorders (PMID: 7534040, 15994263); PP3: In-silico models predict deleterious effect (SpliceAI = 0.74)

Labcorp Genetics (formerly Invitae), Labcorp
Classification: Pathogenic for Cystic fibrosis. Last evaluated: 2026-01-29. Review status: criteria provided, single submitter. Criteria: Invitae Variant Classification Sherloc (09022015). Collection method: clinical testing. Allele origin: germline. Not counted in ClinVar's aggregate classification.
Comment: This sequence change falls in intron 12 of the CFTR gene. It does not directly change the encoded amino acid sequence of the CFTR protein. RNA analysis indicates that this variant induces altered splicing and may result in an absent or altered protein product. This variant is not present in population databases (gnomAD no frequency). This variant has been observed in individual(s) with CFTR-related conditions (PMID: 23974870, 25122143). In at least one individual the data is consistent with being in trans (on the opposite chromosome) from a pathogenic variant. This variant is also known as c.1679+1.6kbA>G or c.1811+1.6kbA>G. ClinVar contains an entry for this variant (Variation ID: 53338). Studies have shown that this variant results in an insertion of 49 bp from intron 12 into the transcript, and produces a non-functional protein and/or introduces a premature termination codon (PMID: 7534040). For these reasons, this variant has been classified as Pathogenic.

Natera, Inc.
Classification: Pathogenic for CFTR-related disorders. Last evaluated: 2025-11-17. Review status: criteria provided, single submitter. Criteria: Natera Variant Classification Schema (03/2026). Collection method: clinical testing. Allele origin: germline. Not counted in ClinVar's aggregate classification.
Comment: The c.1680-886A>G variant in CFTR is an intronic variant located outside the canonical splice sites. This variant is rare in the general population with a frequency below the threshold expected for the associated phenotype(s). This variant has been observed in one or more individuals affected with the associated recessive disease, as either homozygous or compound heterozygous with a second variant (PMID: 12414835). Given the available evidence, this variant is classified as Pathogenic.

Ambry Genetics
Classification: Pathogenic for Cystic fibrosis. Last evaluated: 2025-09-12. Review status: criteria provided, single submitter. Criteria: Ambry Variant Classification Scheme 2023. Collection method: clinical testing. Allele origin: germline. Not counted in ClinVar's aggregate classification.
Comment: The c.1680-886A>G (also known as c.1679+1634A>G and 1811+1.6kbA>G) pathogenic mutation results from an A to G substitution 886 nucleotides upstream from coding exon 13 of the CFTR gene. This pathogenic mutation creates a significant reduction in the amount of CFTR mRNA and individuals identified with this alteration in trans with another severe pathogenic alteration were demonstrated to have pancreatic insufficiency (Chillon M et al. Am J Hum Genet. 1995;56:623-629). This pathogenic mutation was further described in 11 compound heterozygotes and 2 homozygous individuals, all who presented with elevated sweat chloride levels, severe pulmonary manifestations, and pancreatic insufficiency (Reboul MP et al. J Med Genet. 2002;39(11):e73). Based on the supporting evidence, this alteration is interpreted as a disease-causing mutation.

ARUP Laboratories, Molecular Genetics and Genomics, ARUP Laboratories
Classification: Pathogenic for Cystic fibrosis. Last evaluated: 2025-03-12. Review status: criteria provided, single submitter. Criteria: ARUP Molecular Germline Variant Investigation Process 2024. Collection method: clinical testing. Allele origin: germline. Not counted in ClinVar's aggregate classification.
Comment: The CFTR c.1680-886A>G variant (rs397508266) (also known as 1811+1.6kb A>G) has been reported in patients diagnosed with classic cystic fibrosis and pancreatic insufficiency (Chillon 1995, Reboul 2002, Sosnay 2013). This variant is absent from the Genome Aggregation Database(v2.1.1), indicating it is not a common polymorphism. This is an intronic variant and computational analyses (Alamut Visual Plus v.1.12) predict that this variant may impact splicing by creating a novel cryptic donor splice site. Functional analyses demonstrate the loss of wildtype splicing and the aberrant inclusion of 49bp in intron 11, leading to instability of the resulting transcript (Chillon 1995). Based on available information, this variant is considered to be pathogenic. References: Chillon M et al. A novel donor splice site in intron 11 of the CFTR gene, created by mutation 1811+1.6kbA-->G, produces a new exon: high frequency in Spanish cystic fibrosis chromosomes and association with severe phenotype. Am J Hum Genet. 1995 Mar;56(3):623-9. Reboul MP et al. Splice mutation 1811+1.6kbA>G causes severe cystic fibrosis with pancreatic insufficiency: report of 11 compound heterozygous and two homozygous patients. J Med Genet. 2002 Nov;39(11):e73. Sosnay PR et al. Defining the disease liability of variants in the cystic fibrosis transmembrane conductance regulator gene. Nat Genet. 2013 Oct;45(10):1160-7.

Mayo Clinic Laboratories, Mayo Clinic
Classification: Pathogenic. Last evaluated: 2024-03-20. Review status: criteria provided, single submitter. Criteria: ACMG Guidelines, 2015. Collection method: clinical testing. Allele origin: germline. Not counted in ClinVar's aggregate classification.

PreventionGenetics, part of Exact Sciences
Classification: Pathogenic for CFTR-related condition. Last evaluated: 2023-06-14. Review status: criteria provided, single submitter. Criteria: ACMG Guidelines, 2015. Collection method: clinical testing. Allele origin: germline. Not counted in ClinVar's aggregate classification.
Comment: The CFTR c.1680-886A>G variant is predicted to interfere with splicing. **Use**, which is predicted to interfere with splicing. This variant, also referred to as c.1679+1634A>G, c.1679+1.6kbA>G, or 1811+1.6kb A-->G, results in introduction of a 49bp exon between exons 12 and 13 and has previously been reported to be causative for Cystic Fibrosis (reported as a cryptic exon between exons 11 and 12 in Chillón et al. 1995 PubMed ID: 7534040; Sosnay et al. 2013. PubMed ID: 23974870; Steiner et al. 2011. PubMed ID: 21520337). This variant has not been reported in a large population database, indicating this variant is rare. This variant is interpreted as pathogenic.

Johns Hopkins Genomics, Johns Hopkins University
Classification: Pathogenic for Cystic fibrosis. Last evaluated: 2023-04-14. Review status: criteria provided, single submitter. Criteria: ACMG Guidelines, 2015. Collection method: clinical testing. Allele origin: germline. Not counted in ClinVar's aggregate classification.
Comment: Disease-causing CFTR variant. See CFTR2 for phenotype information.

Blueprint Genetics
Classification: Pathogenic for CFTR-related disorders. Last evaluated: 2022-10-10. Review status: criteria provided, single submitter. Criteria: ACMG Guidelines, 2015. Collection method: clinical testing. Allele origin: germline. Affected: yes. Observed: 2 variant alleles. Not counted in ClinVar's aggregate classification.

CeGaT Center for Human Genetics Tuebingen
Classification: Pathogenic. Last evaluated: 2019-06-01. Review status: criteria provided, single submitter. Criteria: CeGaT Center For Human Genetics Tuebingen Variant Classification Criteria Version 2. Collection method: clinical testing. Allele origin: germline. Affected: yes. Observed: 1 variant allele. Not counted in ClinVar's aggregate classification.

Mendelics
Classification: Pathogenic for Cystic fibrosis. Last evaluated: 2019-05-28. Review status: criteria provided, single submitter. Criteria: Mendelics Assertion Criteria 2017. Collection method: clinical testing. Allele origin: unknown. Not counted in ClinVar's aggregate classification.

Fulgent Genetics
Classification: Pathogenic for Hereditary pancreatitis; Bronchiectasis with or without elevated sweat chloride 1; Cystic fibrosis; Congenital bilateral aplasia of vas deferens from CFTR mutation. Last evaluated: 2018-10-31. Review status: criteria provided, single submitter. Criteria: ACMG Guidelines, 2015. Collection method: clinical testing. Allele origin: unknown. Not counted in ClinVar's aggregate classification.

CFTR-France
Classification: Pathogenic for cystic fibrosis. Last evaluated: 2018-01-29. Review status: criteria provided, single submitter. Criteria: Claustres M et al. (Hum Mutat 2017). Collection method: curation. Allele origin: germline. Affected: yes. Not counted in ClinVar's aggregate classification.

Women's Health and Genetics/Laboratory Corporation of America, LabCorp
Classification: Pathogenic. Last evaluated: 2017-11-16. Review status: criteria provided, single submitter. Criteria: LabCorp Variant Classification Summary - May 2015. Collection method: clinical testing. Allele origin: germline. Not counted in ClinVar's aggregate classification.
Comment: Variant summary: The CFTR c.1679+1634A>G variant involves the alteration of a non-conserved intronic nucleotide and 4/5 splice prediction tools predict a significant impact on normal splicing (creation of a novel splicing donor site). cDNA studies proved the aberrant splicing (Chillon_1995). This variant is absent in 30882 control chromosomes (gnomAD). This variant has been reported in many affected individuals. Functional studies showed that individuals with genotype deltaF508/c.1679+1634A>G have only 1%-3% of normal CFTR mRNA. This loss of 97% of normal CFTR mRNA must be responsible for the pancreatic insufficiency and for the severe CF phenotype in these patients (Chillion_1995 and Sosnay_2013). In addition, multiple clinical diagnostic laboratories/reputable databases classified this variant as pathogenic. Taken together, this variant is classified as pathogenic.

Eurofins Ntd Llc (ga)
Classification: Pathogenic. Last evaluated: 2017-02-28. Review status: criteria provided, single submitter. Criteria: EGL Classification Definitions 2015. Collection method: clinical testing. Allele origin: germline. Observed: 3 variant alleles, 3 heterozygotes. Not counted in ClinVar's aggregate classification.

Baylor Genetics
Classification: Pathogenic for Congenital bilateral aplasia of vas deferens from CFTR mutation; Cystic fibrosis. Review status: criteria provided, single submitter. Criteria: ACMG Guidelines, 2015. Collection method: clinical testing. Allele origin: germline. Not counted in ClinVar's aggregate classification.

Diagnostic Laboratory, Department of Genetics, University Medical Center Groningen
Classification: Pathogenic. Review status: no assertion criteria provided. Collection method: clinical testing. Allele origin: germline. Affected: yes. Study: VKGL Data-share Consensus. Not counted in ClinVar's aggregate classification.

Joint Genome Diagnostic Labs from Nijmegen and Maastricht, Radboudumc and MUMC+
Classification: Pathogenic. Review status: no assertion criteria provided. Collection method: clinical testing. Allele origin: germline. Affected: yes. Study: VKGL Data-share Consensus. Not counted in ClinVar's aggregate classification.

Literature cited by the submitters: PubMed 23974870 (cited by 3 submitters); PubMed 7534040 (cited by 4 submitters); PubMed 15994263 (cited by Otogenetics and Ambry Genetics); PubMed 25122143 (cited by Labcorp Genetics (formerly Invitae), Labcorp); PubMed 12414835 (cited by Natera, Inc. and Johns Hopkins Genomics, Johns Hopkins University); PubMed 18456578 (cited by Ambry Genetics).